The following is an entry in ClinVar:

ClinVar aggregate classification (germline): Likely benign (0 of 4 stars; one submission).

Conditions:
DMBT1-related disorder. Also called: DMBT1-related condition.

Allele frequency attached by ClinVar (database versions not stated): ExAC 0.00003; gnomAD 0.00014; TOPMed 0.00019.
gnomAD v4.1: 42 of 1,613,652 alleles (0.0026%); highest among the groups gnomAD compares: African/African-American, 0.051%; no homozygotes.

Submission:

PreventionGenetics, part of Exact Sciences
Classification: Likely benign for DMBT1-related condition. Last evaluated: 2019-03-07. Review status: no assertion criteria provided. Collection method: clinical testing. Allele origin: germline.
Comment: This variant is classified as likely benign based on ACMG/AMP sequence variant interpretation guidelines (Richards et al. 2015 PMID: 25741868, with internal and published modifications).

NM_001377530.1(DMBT1):c.3168C>T (p.Val1056=)

Gene: DMBT1 (deleted in malignant brain tumors 1; plus strand). Cytogenetic location: 10q26.13.
Variant type: single nucleotide variant.
Coding change: c.3168C>T on transcript NM_001377530.1 (MANE Select); coding-DNA position 3168, C replaced by T.
Protein change: p.Val1056=; no amino-acid change (valine 1056 retained).
Molecular consequence: synonymous variant.
Genome position (GRCh38, 1-based): chr10:122,598,985, C>T. VCF-style: chr10-122598985-C-T. GRCh37 (hg19) VCF-style: chr10-124358501-C-T.
Other names: c.3168C>T, p.Val1056= (NM_001320644.2, NM_007329.3); c.1671C>T, p.Val557= (NM_004406.3); c.3138C>T, p.Val1046= (NM_017579.3).
Identifiers: ClinVar variation 3058793 (VCV003058793.2), dbSNP rs757709225, ClinGen allele CA5727412.